The following is an entry in ClinVar:

NM_006765.4(TUSC3):c.309-10T>C

Gene: TUSC3 (tumor suppressor candidate 3; plus strand). Cytogenetic location: 8p22.
Variant type: single nucleotide variant.
Coding change: c.309-10T>C on transcript NM_006765.4 (MANE Select); 10 bases into the intron before coding-DNA position 309, T replaced by C.
Molecular consequence: intron variant.
Genome position (GRCh38, 1-based): chr8:15,650,687, T>C. VCF-style: chr8-15650687-T-C. GRCh37 (hg19) VCF-style: chr8-15508196-T-C.
Other names: c.309-10T>C (NM_001413673.1, NM_001413682.1, NM_001413680.1 and 16 more transcripts); c.303-10T>C (NM_001413690.1); c.-79-10T>C (NM_001413678.1); c.249-10T>C (NM_001413670.1); c.141-10T>C (NM_001413672.1, NM_001413671.1, NM_001413669.1); c.-6-8820T>C (NM_001413677.1).
Identifiers: ClinVar variation 4881449 (VCV004881449.2).
Genomic context (GRCh38, chr8:15,650,687, plus strand): 5'-TGTTTTAATAACTGCTTTGTAGATGCTTCAGTACTGATGTGTTTCTACTATGGCCCATTA[T>C]TCTTATCAGGCAAGCTAATGAAGAATATCAAATACTGGCGAACTCCTGGCGCTATTCATC-3'

ClinVar aggregate classification (germline): Uncertain significance (1 of 4 stars; one submission).

Conditions:
Intellectual developmental disorder, autosomal recessive 7. Also called: Intellectual disability, autosomal recessive 7. Identifiers: Orphanet 88616, MedGen C1970197, MONDO:0012615, OMIM 611093.

gnomAD v4.1: 43 of 1,612,736 alleles (0.0027%); highest among the groups gnomAD compares: African/African-American, 0.051%; no homozygotes.

Submission:

Dasa
Classification: Uncertain significance for Intellectual developmental disorder, autosomal recessive 7. Last evaluated: 2025-09-17. Review status: criteria provided, single submitter. Criteria: DASA Assertion Criteria. Collection method: clinical testing. Allele origin: germline.
Comment: NM_006765.4(TUSC3):c.309-10T>C is a splice-region variant. This variant has been observed in affected individuals with TUSC3-related disorders. Also, this variant is rare in population databases. Computational prediction algorithms are consistent with a benign effect. The currently available literature and clinical evidence are not sufficient to establish a definitive association between this variant and the reported condition. Therefore, this variant is classified as a variant of uncertain significance.